The following is an entry in ClinVar:

NM_020964.3(EPG5):c.6323G>T (p.Ser2108Ile)

Gene: EPG5 (ectopic P-granules 5 autophagy tethering factor; minus strand). Cytogenetic location: 18q12.3.
Variant type: single nucleotide variant.
Coding change: c.6323G>T on transcript NM_020964.3 (MANE Select); coding-DNA position 6323, G replaced by T.
Protein change: p.Ser2108Ile; replaces serine 2108 with isoleucine.
Molecular consequence: missense variant.
Genome position (GRCh38, 1-based): chr18:45,867,651, C>A on the plus strand (G>T on the coding strand, the complement: EPG5 is on the minus strand). VCF-style: chr18-45867651-C-A. GRCh37 (hg19) VCF-style: chr18-43447616-C-A.
Other names: c.6323G>T, p.Ser2108Ile (NM_001410858.1); c.6320G>T, p.Ser2107Ile (NM_001410859.1); short protein forms S2107I, S2108I.
Identifiers: ClinVar variation 1922655 (VCV001922655.4), dbSNP rs764011985, ClinGen allele CA8948304.

ClinVar aggregate classification (germline): Uncertain significance (1 of 4 stars; one submission).

Conditions:
Vici syndrome (VICIS). Identifiers: Orphanet 1493, MedGen C1855772, MONDO:0009452, OMIM 242840.

Allele frequency attached by ClinVar (database versions not stated): ExAC 0.00001; gnomAD 0.00001; gnomAD exomes 0.00001; TOPMed 0.00001.
gnomAD v4.1: 21 of 1,613,972 alleles (0.0013%); highest among the groups gnomAD compares: Non-Finnish European, 0.0018%; no homozygotes.

Submission:

Labcorp Genetics (formerly Invitae), Labcorp
Classification: Uncertain significance for Vici syndrome. Last evaluated: 2024-02-24. Review status: criteria provided, single submitter. Criteria: Invitae Variant Classification Sherloc (09022015). Collection method: clinical testing. Allele origin: germline.
Comment: This sequence change replaces serine, which is neutral and polar, with isoleucine, which is neutral and non-polar, at codon 2108 of the EPG5 protein (p.Ser2108Ile). This variant is present in population databases (rs764011985, gnomAD 0.002%). This variant has not been reported in the literature in individuals affected with EPG5-related conditions. ClinVar contains an entry for this variant (Variation ID: 1922655). Advanced modeling of protein sequence and biophysical properties (such as structural, functional, and spatial information, amino acid conservation, physicochemical variation, residue mobility, and thermodynamic stability) performed at Invitae indicates that this missense variant is not expected to disrupt EPG5 protein function with a negative predictive value of 80%. In summary, the available evidence is currently insufficient to determine the role of this variant in disease. Therefore, it has been classified as a Variant of Uncertain Significance.